The following is an entry in ClinVar:

ClinVar aggregate classification (germline): Uncertain significance. Review status: criteria provided, multiple submitters, no conflicts (2 of 4 stars). 8 submissions from 8 submitters: Uncertain significance (7). 1 of the submissions does not count toward it. Last evaluated 2026-02-03.

Conditions:
Hereditary cancer-predisposing syndrome. Also called: Neoplastic Syndromes, Hereditary; Hereditary neoplastic syndrome; Hereditary Cancer Syndrome; Tumor predisposition. Identifiers: Orphanet 140162, MedGen C0027672, MeSH D009386, MONDO:0015356.
POLD1-related polyposis and colorectal cancer syndrome (CRCS10). Also called: Colorectal cancer, susceptibility to, 10; Colorectal cancer 10; COLORECTAL CANCER, SUSCEPTIBILITY TO, ON CHROMOSOME 19q. Identifiers: Orphanet 220460, MedGen C2675481, MONDO:0012953, OMIM 612591.
POLD1-related disorder. Also called: POLD1-related disorders; POLD1-related condition.
Mandibular hypoplasia-deafness-progeroid syndrome. Also called: Mandibular hypoplasia, deafness, progeroid features, and lipodystrophy syndrome. Identifiers: Orphanet 363649, MedGen C3715192, MONDO:0014157, OMIM 615381.

Allele frequency attached by ClinVar (database versions not stated): ExAC 0.00002; gnomAD exomes 0.00002; TOPMed 0.00005; gnomAD 0.00006; ESP Exome Variant Server 0.00008.
gnomAD v4.1: 60 of 1,612,146 alleles (0.0037%); highest among the groups gnomAD compares: Non-Finnish European, 0.0048%; no homozygotes.

Submissions (8):

Labcorp Genetics (formerly Invitae), Labcorp
Classification: Uncertain significance for POLD1-related polyposis and colorectal cancer syndrome. Last evaluated: 2026-02-03. Review status: criteria provided, single submitter. Criteria: Invitae Variant Classification Sherloc (09022015). Collection method: clinical testing. Allele origin: germline.
Comment: This sequence change replaces isoleucine, which is neutral and non-polar, with phenylalanine, which is neutral and non-polar, at codon 101 of the POLD1 protein (p.Ile101Phe). This variant is present in population databases (rs140858857, gnomAD 0.003%). This missense change has been observed in individual(s) with Ewing's sarcoma (PMID: 26580448). ClinVar contains an entry for this variant (Variation ID: 408120). Invitae Evidence Modeling of protein sequence and biophysical properties (such as structural, functional, and spatial information, amino acid conservation, physicochemical variation, residue mobility, and thermodynamic stability) indicates that this missense variant is not expected to disrupt POLD1 protein function with a negative predictive value of 80%. In summary, the available evidence is currently insufficient to determine the role of this variant in disease. Therefore, it has been classified as a Variant of Uncertain Significance.

GeneDx
Classification: Uncertain significance. Last evaluated: 2025-05-27. Review status: criteria provided, single submitter. Criteria: GeneDx Variant Classification Process June 2021. Collection method: clinical testing. Allele origin: germline. Affected: yes.
Comment: Not observed at significant frequency in large population cohorts (gnomAD); In silico analysis supports that this missense variant has a deleterious effect on protein structure/function; Observed in an individual with a personal history of Ewing's sarcoma (PMID: 26580448); This variant is associated with the following publications: (PMID: 35620275, 26580448)

Center for Genomic Medicine, Rigshospitalet, Copenhagen University Hospital
Classification: Uncertain significance. Last evaluated: 2025-03-04. Review status: criteria provided, single submitter. Criteria: ACMG Guidelines, 2015. Collection method: clinical testing. Allele origin: germline.

Ambry Genetics
Classification: Uncertain significance for Hereditary cancer-predisposing syndrome. Last evaluated: 2024-12-12. Review status: criteria provided, single submitter. Criteria: Ambry Variant Classification Scheme 2023. Collection method: clinical testing. Allele origin: germline.
Comment: The p.I101F variant (also known as c.301A>T), located in coding exon 2 of the POLD1 gene, results from an A to T substitution at nucleotide position 301. The isoleucine at codon 101 is replaced by phenylalanine, an amino acid with highly similar properties. This amino acid position is well conserved in available vertebrate species. In addition, this alteration is predicted to be tolerated by in silico analysis. Based on the available evidence, the clinical significance of this variant remains unclear.

Blueprint Genetics
Classification: Uncertain significance. Last evaluated: 2024-02-08. Review status: criteria provided, single submitter. Criteria: ACMG Guidelines, 2015. Collection method: clinical testing. Allele origin: germline.

Women's Health and Genetics/Laboratory Corporation of America, LabCorp
Classification: Uncertain significance. Last evaluated: 2023-04-28. Review status: criteria provided, single submitter. Criteria: LabCorp Variant Classification Summary - May 2015. Collection method: clinical testing. Allele origin: germline.
Comment: Variant summary: POLD1 c.301A>T (p.Ile101Phe) results in a non-conservative amino acid change in the encoded protein sequence. Four of five in-silico tools predict a damaging effect of the variant on protein function. The variant allele was found at a frequency of 1.6e-05 in 251386 control chromosomes (gnomAD). The available data on variant occurrences in the general population are insufficient to allow any conclusion about variant significance. c.301A>T has been reported in the literature in one individuals affected with Ewing sarcoma (Zhang_2015). This report does not provide unequivocal conclusions about association of the variant with Colorectal Cancer. To our knowledge, no experimental evidence demonstrating an impact on protein function has been reported. The following publication has been ascertained in the context of this evaluation (PMID: 26580448). Four clinical diagnostic laboratories have submitted clinical-significance assessments for this variant to ClinVar after 2014: all laboratories classified the variant as uncertain significance. Based on the evidence outlined above, the variant was classified as uncertain significance.

Fulgent Genetics
Classification: Uncertain significance for POLD1-related polyposis and colorectal cancer syndrome; Mandibular hypoplasia-deafness-progeroid syndrome. Last evaluated: 2018-10-31. Review status: criteria provided, single submitter. Criteria: ACMG Guidelines, 2015. Collection method: clinical testing. Allele origin: unknown.

PreventionGenetics, part of Exact Sciences
Classification: Uncertain significance for POLD1-related condition. Last evaluated: 2024-02-22. Review status: no assertion criteria provided. Collection method: clinical testing. Allele origin: germline. Not counted in ClinVar's aggregate classification.
Comment: The POLD1 c.301A>T variant is predicted to result in the amino acid substitution p.Ile101Phe. This variant has been reported in an individual with Ewing sarcoma (Table S4e. Zhang et al 2015. PubMed ID: 26580448). This variant is reported in 0.0031% of alleles in individuals of European (Non-Finnish) descent in gnomAD. This variant is interpreted as a variant of uncertain significance in the ClinVar database. At this time, the clinical significance of this variant is uncertain due to the absence of conclusive functional and genetic evidence.

Literature cited by the submitters: PubMed 26580448 (cited by Labcorp Genetics (formerly Invitae), Labcorp and Women's Health and Genetics/Laboratory Corporation of America, LabCorp).

NM_002691.4(POLD1):c.301A>T (p.Ile101Phe)

Gene: POLD1 (DNA polymerase delta 1, catalytic subunit; plus strand). Cytogenetic location: 19q13.33.
Variant type: single nucleotide variant.
Coding change: c.301A>T on transcript NM_002691.4 (MANE Select); coding-DNA position 301, A replaced by T.
Protein change: p.Ile101Phe; replaces isoleucine 101 with phenylalanine.
Molecular consequence: missense variant. On other transcripts: non-coding transcript variant (1).
Genome position (GRCh38, 1-based): chr19:50,399,469, A>T. VCF-style: chr19-50399469-A-T. GRCh37 (hg19) VCF-style: chr19-50902726-A-T.
Other names: c.301A>T, p.Ile101Phe (NM_001256849.1, NM_001308632.1); c.301A>T (NM_002691.2); short protein forms I101F.
Identifiers: ClinVar variation 408120 (VCV000408120.30), dbSNP rs140858857, ClinGen allele CA9595675.
Genomic context (GRCh38, chr19:50,399,469, plus strand): 5'-CGGCCCACACCACCAGCGCTGGACCCCCAGACAGAGCCCCTCATCTTCCAACAGTTGGAG[A>T]TTGACCATTATGTGGGTGAGTTTAGGGGTTATGGGTGAGTGCTGGGGCCCTGCGCTCCTG-3'
Protein context (NP_002682.2, residues 91-111): TEPLIFQQLE[Ile101Phe]DHYVGPAQPV